The following is an entry in ClinVar:

ClinVar aggregate classification (germline): Pathogenic/Likely pathogenic. Review status: criteria provided, multiple submitters, no conflicts (2 of 4 stars). 6 submissions from 5 submitters: Pathogenic (4); Likely pathogenic (1). 1 of the submissions does not count toward it. Last evaluated 2026-08-18.

Conditions:
KBG syndrome (KBGS). Also called: ANKRD11-Related KBG Syndrome. Identifiers: Orphanet 2332, MedGen C0220687, MONDO:0007846, OMIM 148050.
Intellectual disability. Also called: intellectual disabilities; Intellectual functioning disability; Intellectual developmental disorder. Identifiers: MedGen C3714756, MeSH D008607, MONDO:0001071, HP:0001249.

Submissions (6):

Medical Genetics Center, Maternal and Child Health Hospital of Hubei Province
Classification: Pathogenic for KBG syndrome. Last evaluated: 2026-08-18. Review status: criteria provided, single submitter. Criteria: ACMG Guidelines, 2015. Collection method: clinical testing. Allele origin: de novo. Affected: yes.
Comment: PVS1+PS2_Supporting+PM2_Supporting

Clinical Genetics Laboratory, University Hospital Schleswig-Holstein
Classification: Pathogenic for KBG syndrome. Last evaluated: 2025-11-05. Review status: criteria provided, single submitter. Criteria: ACMG Guidelines, 2015. Collection method: clinical testing. Allele origin: germline. Affected: yes. Observed: 1 heterozygote.
Comment: ACMG criteria applied: PM2, PS4; PVS1, PS2_Supporting

GeneDx
Classification: Pathogenic. Last evaluated: 2023-12-02. Review status: criteria provided, single submitter. Criteria: GeneDx Variant Classification Process June 2021. Collection method: clinical testing. Allele origin: germline. Affected: yes.
Comment: Frameshift variant predicted to result in protein truncation or nonsense mediated decay in a gene for which loss-of-function is a known mechanism of disease; Not observed at significant frequency in large population cohorts (gnomAD); This variant is associated with the following publications: (PMID: 25652421, 27605097)

Institute of Human Genetics, University of Leipzig Medical Center
Classification: Pathogenic for Intellectual disability. Last evaluated: 2020-08-03. Review status: criteria provided, single submitter. Criteria: ACMG Guidelines, 2015. Collection method: clinical testing. Allele origin: de novo. Affected: yes.

Institute of Human Genetics, University of Leipzig Medical Center
Classification: Likely pathogenic for KBG syndrome. Last evaluated: 2018-03-20. Review status: criteria provided, single submitter. Criteria: ACMG Guidelines, 2015. Collection method: clinical testing. Allele origin: germline. Affected: yes. Observed: 1 variant allele.

The Purple Gene Clinic, Mumbai
Classification: Likely pathogenic for KBG syndrome. Last evaluated: 2024-05-29. Review status: no assertion criteria provided. Collection method: clinical testing. Allele origin: unknown. Inheritance: Autosomal dominant inheritance. Affected: yes. Observed: 1 heterozygote. Not counted in ClinVar's aggregate classification.
Comment: This sequence change creates a frameshift, resulting in premature truncation of the ANKRD11 protein. This variant is absent in the gnomAD database and has not been reported in the literature in individuals with ANKRD11-related conditions. Loss-of-function variants in ANKRD11 are known to be pathogenic (PMID: 38515699, 37800809, 37226940). For these reasons, this variant has been classified as likely pathogenic.

Literature cited by the submitters: PubMed 25652421 (cited by Medical Genetics Center, Maternal and Child Health Hospital of Hubei Province); PubMed 27605097 (cited by Medical Genetics Center, Maternal and Child Health Hospital of Hubei Province).

NM_013275.6(ANKRD11):c.2297_2300del (p.Lys766fs)

Gene: ANKRD11 (ankyrin repeat domain 11; minus strand). Cytogenetic location: 16q24.3.
Variant type: Microsatellite.
Coding change: c.2297_2300del on transcript NM_013275.6 (MANE Select); coding-DNA positions 2297 to 2300, 4 bases deleted (AGAA; older notation c.2297_2300delAGAA).
Protein change: p.Lys766fs; shifts the reading frame from lysine 766.
Molecular consequence: frameshift variant.
Genome position (GRCh38, 1-based): chr16:89,284,242-89,284,245, TTCT deleted on the plus strand (AGAA on the coding strand, the reverse complement: ANKRD11 is on the minus strand); deleting any 4 consecutive bases within chr16:89,284,242-89,284,249 gives the same sequence; the c. name uses the placement nearest the transcript's 3' end. VCF-style (leftmost placement, unchanged base first): chr16-89284241-CTTCT-C. GRCh37 (hg19) VCF-style: chr16-89350649-CTTCT-C.
Other names: c.2297_2300del, p.Lys766fs (NM_001256182.2, NM_001256183.2); short protein forms K766fs.
Identifiers: ClinVar variation 976186 (VCV000976186.7), dbSNP rs2034487965, ClinGen allele CA2241602395.